The following is an entry in ClinVar:

ClinVar aggregate classification (germline): Uncertain significance (1 of 4 stars; one submission).

Allele frequency attached by ClinVar (database versions not stated): gnomAD exomes below 0.00001; gnomAD 0.00001; TOPMed 0.00001; 1000 Genomes Project 30x 0.00031.
gnomAD v4.1: 5 of 1,503,420 alleles (0.00033%); highest among the groups gnomAD compares: African/African-American, 0.0042%; no homozygotes.

Submission:

Mayo Clinic Laboratories, Mayo Clinic
Classification: Uncertain significance. Last evaluated: 2022-09-14. Review status: criteria provided, single submitter. Criteria: ACMG Guidelines, 2015. Collection method: clinical testing. Allele origin: germline. Observed: 1 variant allele.
Comment: PM2

NM_002972.4(SBF1):c.3931G>A (p.Gly1311Arg)

Gene: SBF1 (SET binding factor 1; minus strand). Cytogenetic location: 22q13.33.
Variant type: single nucleotide variant.
Coding change: c.3931G>A on transcript NM_002972.4 (MANE Select); coding-DNA position 3931, G replaced by A.
Protein change: p.Gly1311Arg; replaces glycine 1311 with arginine.
Molecular consequence: missense variant.
Genome position (GRCh38, 1-based): chr22:50,456,647, C>T on the plus strand (G>A on the coding strand, the complement: SBF1 is on the minus strand). VCF-style: chr22-50456647-C-T. GRCh37 (hg19) VCF-style: chr22-50895076-C-T.
Other names: p.Gly1311Arg; c.3856G>A, p.Gly1286Arg (NM_001365819.1); c.3934G>A, p.Gly1312Arg (NM_001410794.1); c.3853G>A, p.Gly1285Arg (NM_001410795.1); c.3931G>A, p.Gly1311Arg (NM_197971.1); short protein forms G1285R, G1286R, G1311R, G1312R.
Identifiers: ClinVar variation 2683579 (VCV002683579.1), dbSNP rs769883207, ClinGen allele CA325529066.